The following is an entry in ClinVar:

ClinVar aggregate classification (germline): Conflicting classifications of pathogenicity. Review status: criteria provided, conflicting classifications (1 of 4 stars). 2 submissions from 2 submitters: Uncertain significance (1); Likely benign (1). Last evaluated 2025-08-18.

Conditions:
Hereditary cancer-predisposing syndrome. Also called: Neoplastic Syndromes, Hereditary; Tumor predisposition; Hereditary Cancer Syndrome; Hereditary neoplastic syndrome. Identifiers: Orphanet 140162, MedGen C0027672, MeSH D009386, MONDO:0015356.
POLD1-related polyposis and colorectal cancer syndrome (CRCS10). Also called: Colorectal cancer 10; COLORECTAL CANCER, SUSCEPTIBILITY TO, ON CHROMOSOME 19q; Colorectal cancer, susceptibility to, 10. Identifiers: Orphanet 220460, MedGen C2675481, MONDO:0012953, OMIM 612591.

Submissions (2):

Ambry Genetics
Classification: Likely benign for Hereditary cancer-predisposing syndrome. Last evaluated: 2025-08-18. Review status: criteria provided, single submitter. Criteria: Ambry Variant Classification Scheme 2023. Collection method: clinical testing. Allele origin: germline.

Labcorp Genetics (formerly Invitae), Labcorp
Classification: Uncertain significance for POLD1-related polyposis and colorectal cancer syndrome. Last evaluated: 2024-12-23. Review status: criteria provided, single submitter. Criteria: Invitae Variant Classification Sherloc (09022015). Collection method: clinical testing. Allele origin: germline.
Comment: This sequence change replaces aspartic acid, which is acidic and polar, with histidine, which is basic and polar, at codon 26 of the POLD1 protein (p.Asp26His). This variant is not present in population databases (gnomAD no frequency). This variant has not been reported in the literature in individuals affected with POLD1-related conditions. An algorithm developed to predict the effect of missense changes on protein structure and function (PolyPhen-2) suggests that this variant is likely to be disruptive. In summary, the available evidence is currently insufficient to determine the role of this variant in disease. Therefore, it has been classified as a Variant of Uncertain Significance.

NM_002691.4(POLD1):c.76G>C (p.Asp26His)

Gene: POLD1 (DNA polymerase delta 1, catalytic subunit; plus strand). Cytogenetic location: 19q13.33.
Variant type: single nucleotide variant.
Coding change: c.76G>C on transcript NM_002691.4 (MANE Select); coding-DNA position 76, G replaced by C.
Protein change: p.Asp26His; replaces aspartic acid 26 with histidine.
Molecular consequence: missense variant. On other transcripts: non-coding transcript variant (1).
Genome position (GRCh38, 1-based): chr19:50,398,927, G>C. VCF-style: chr19-50398927-G-C. GRCh37 (hg19) VCF-style: chr19-50902184-G-C.
Other names: c.76G>C (NM_002691.2); c.76G>C, p.Asp26His (NM_001256849.1, NM_001308632.1); short protein forms D26H.
Identifiers: ClinVar variation 3625220 (VCV003625220.3).